The following is an entry in ClinVar:

ClinVar aggregate classification (germline): Pathogenic. Review status: criteria provided, multiple submitters, no conflicts (2 of 4 stars). 3 submissions from 3 submitters: Pathogenic (3). Last evaluated 2023-09-20.

Conditions:
Lynch syndrome 4 (LYNCH4). Also called: Colorectal cancer, hereditary nonpolyposis, type 4; Hereditary non-polyposis colorectal cancer, type 4. Identifiers: Orphanet 144, MedGen C1838333, MONDO:0013699, OMIM 614337. Disease mechanism: loss of function.
Hereditary cancer-predisposing syndrome. Also called: Hereditary neoplastic syndrome; Neoplastic Syndromes, Hereditary; Tumor predisposition; Hereditary Cancer Syndrome. Identifiers: Orphanet 140162, MedGen C0027672, MeSH D009386, MONDO:0015356.

Submissions (3):

Myriad Genetics, Inc.
Classification: Pathogenic for Lynch syndrome 4. Last evaluated: 2023-09-20. Review status: criteria provided, single submitter. Criteria: Myriad Autosomal Dominant, Autosomal Recessive and X-Linked Classification Criteria (2023). Collection method: clinical testing. Allele origin: unknown.
Comment: This variant is considered pathogenic. This variant creates a frameshift predicted to result in premature protein truncation.

Ambry Genetics
Classification: Pathogenic for Hereditary cancer-predisposing syndrome. Last evaluated: 2021-05-17. Review status: criteria provided, single submitter. Criteria: Ambry Variant Classification Scheme 2023. Collection method: clinical testing. Allele origin: germline.
Comment: The c.1687_1693delCGAGTTT pathogenic mutation, located in coding exon 11 of the PMS2 gene, results from a deletion of 7 nucleotides at nucleotide positions 1687 to 1693, causing a translational frameshift with a predicted alternate stop codon (p.R563Cfs*30). This alteration is expected to result in loss of function by premature protein truncation or nonsense-mediated mRNA decay. As such, this alteration is interpreted as a disease-causing mutation.

GeneDx
Classification: Pathogenic. Last evaluated: 2016-07-25. Review status: criteria provided, single submitter. Criteria: GeneDx Variant Classification (06012015). Collection method: clinical testing. Allele origin: germline. Affected: yes.
Comment: This deletion of seven nucleotides in PMS2 is denoted c.1687_1693delCGAGTTT at the cDNA level and p.Arg563CysfsX30 (R563CfsX30) at the protein level. The normal sequence, with the bases that are deleted in braces, is ATTT[CGAGTTT]TGCC. The deletion causes a frameshift which changes an Arginine to a Cysteine at codon 563, and creates a premature stop codon at position 30 of the new reading frame. Although this variant has not, to our knowledge, been reported in the literature, it is predicted to cause loss of normal protein function through either protein truncation or nonsense-mediated mRNA decay. We consider this variant to be pathogenic.

NM_000535.7(PMS2):c.1687_1693del (p.Arg563fs)

Gene: PMS2 (PMS1 homolog 2, mismatch repair system component; minus strand). Cytogenetic location: 7p22.1.
Variant type: Deletion.
Coding change: c.1687_1693del on transcript NM_000535.7 (MANE Select); coding-DNA positions 1687 to 1693, 7 bases deleted (CGAGTTT; older notation c.1687_1693delCGAGTTT).
Protein change: p.Arg563fs; shifts the reading frame from arginine 563.
Molecular consequence: frameshift variant. On other transcripts: non-coding transcript variant (1).
Genome position (GRCh38, 1-based): chr7:5,987,072-5,987,078, AAACTCG deleted on the plus strand (CGAGTTT on the coding strand, the reverse complement: PMS2 is on the minus strand); deleting any 7 consecutive bases within chr7:5,987,072-5,987,081 gives the same sequence; the c. name uses the placement nearest the transcript's 3' end. VCF-style (leftmost placement, unchanged base first): chr7-5987071-AAAACTCG-A. GRCh37 (hg19) VCF-style: chr7-6026702-AAAACTCG-A.
Other names: c.1282_1288del, p.Arg428fs (NM_001322003.2, NM_001322004.2, NM_001322005.2 and 1 more transcripts); c.1531_1537del, p.Arg511fs (NM_001322006.2); c.1369_1375del, p.Arg457fs (NM_001322007.2, NM_001322008.2); c.1126_1132del, p.Arg376fs (NM_001322010.2); c.754_760del, p.Arg252fs (NM_001322011.2, NM_001322012.2); c.1114_1120del, p.Arg372fs (NM_001322013.2); c.1687_1693del, p.Arg563fs (NM_001322014.2); c.1378_1384del, p.Arg460fs (NM_001322015.2); short protein forms R372fs, R457fs, R460fs, R252fs, R376fs, R511fs, R428fs, R563fs.
Identifiers: ClinVar variation 421758 (VCV000421758.5), dbSNP rs1064795345, ClinGen allele CA16618502.